The following is an entry in ClinVar:

NM_020529.3(NFKBIA):c.610T>A (p.Ser204Thr)

Gene: NFKBIA (NFKB inhibitor alpha; minus strand). Cytogenetic location: 14q13.2.
Variant type: single nucleotide variant.
Coding change: c.610T>A on transcript NM_020529.3 (MANE Select); coding-DNA position 610, T replaced by A.
Protein change: p.Ser204Thr; replaces serine 204 with threonine.
Molecular consequence: missense variant.
Genome position (GRCh38, 1-based): chr14:35,402,797, A>T on the plus strand (T>A on the coding strand, the complement: NFKBIA is on the minus strand). VCF-style: chr14-35402797-A-T. GRCh37 (hg19) VCF-style: chr14-35872003-A-T.
Other names: short protein forms S204T.
Identifiers: ClinVar variation 2644165 (VCV002644165.24), dbSNP rs2502182452, ClinGen allele CA389452500.

ClinVar aggregate classification (germline): Uncertain significance (1 of 4 stars; one submission).

Submission:

CeGaT Center for Human Genetics Tuebingen
Classification: Uncertain significance. Last evaluated: 2023-07-01. Review status: criteria provided, single submitter. Criteria: CeGaT Center For Human Genetics Tuebingen Variant Classification Criteria Version 2. Collection method: clinical testing. Allele origin: germline. Affected: yes. Observed: 1 variant allele.
Comment: NFKBIA: PM2